The following is an entry in ClinVar:

NM_000363.5(TNNI3):c.520A>C (p.Lys174Gln)

Gene: TNNI3 (troponin I3, cardiac type; minus strand). Cytogenetic location: 19q13.42.
Variant type: single nucleotide variant.
Coding change: c.520A>C on transcript NM_000363.5 (MANE Select); coding-DNA position 520, A replaced by C.
Protein change: p.Lys174Gln; replaces lysine 174 with glutamine.
Molecular consequence: missense variant.
Genome position (GRCh38, 1-based): chr19:55,154,059, T>G on the plus strand (A>C on the coding strand, the complement: TNNI3 is on the minus strand). VCF-style: chr19-55154059-T-G. GRCh37 (hg19) VCF-style: chr19-55665427-T-G.
Other names: c.520A>C (LRG_432t1); short protein forms K174Q.
Identifiers: ClinVar variation 524962 (VCV000524962.8), dbSNP rs1555863480, ClinGen allele CA407440281.

ClinVar aggregate classification (germline): Uncertain significance (1 of 4 stars; one submission).

Conditions:
Hypertrophic cardiomyopathy. Also called: HYPERTROPHIC MYOCARDIOPATHY. Identifiers: Orphanet 217569, MedGen C0007194, MeSH D002312, MONDO:0005045, HP:0001639.

Submission:

Labcorp Genetics (formerly Invitae), Labcorp
Classification: Uncertain significance for Hypertrophic cardiomyopathy. Last evaluated: 2017-10-26. Review status: criteria provided, single submitter. Criteria: Invitae Variant Classification Sherloc (09022015). Collection method: clinical testing. Allele origin: germline.
Comment: Algorithms developed to predict the effect of sequence changes on RNA splicing suggest that this variant may create or strengthen a splice site, but this prediction has not been confirmed by published transcriptional studies. In summary, the available evidence is currently insufficient to determine the role of this variant in disease. Therefore, it has been classified as a Variant of Uncertain Significance. Algorithms developed to predict the effect of missense changes on protein structure and function (SIFT, PolyPhen-2, Align-GVGD) all suggest that this variant is likely to be disruptive, but these predictions have not been confirmed by published functional studies and their clinical significance is uncertain. This sequence change replaces lysine with glutamine at codon 174 of the TNNI3 protein (p.Lys174Gln). The lysine residue is highly conserved and there is a small physicochemical difference between lysine and glutamine. This variant is not present in population databases (ExAC no frequency). This variant has not been reported in the literature in individuals with TNNI3-related disease.